The following is an entry in ClinVar:

NM_001849.4(COL6A2):c.801G>T (p.Lys267Asn)

Gene: COL6A2 (collagen type VI alpha 2 chain; plus strand). Cytogenetic location: 21q22.3.
Variant type: single nucleotide variant.
Coding change: c.801G>T on transcript NM_001849.4 (MANE Select); coding-DNA position 801, G replaced by T.
Protein change: p.Lys267Asn; replaces lysine 267 with asparagine.
Molecular consequence: missense variant.
Genome position (GRCh38, 1-based): chr21:46,114,073, G>T. VCF-style: chr21-46114073-G-T. GRCh37 (hg19) VCF-style: chr21-47533987-G-T.
Other names: c.801G>T, p.Lys267Asn (NM_058174.3, NM_058175.3); short protein forms K267N.
Identifiers: ClinVar variation 3896820 (VCV003896820.1).

ClinVar aggregate classification (germline): Uncertain significance (1 of 4 stars; one submission).

Conditions:
Ullrich congenital muscular dystrophy 1A. Also called: Ullrich congenital muscular dystrophy 1; Intermediate COL6-RD. Identifiers: Orphanet 75840, MedGen C0410179, MONDO:0009681, OMIM 254090.
Bethlem myopathy 1A. Also called: MYOPATHY, BENIGN CONGENITAL, WITH CONTRACTURES; Bethlem myopathy 1; Bethlem Muscular Dystrophy. Identifiers: Orphanet 610, MedGen CN029274, MONDO:0024530, OMIM 158810.
Myosclerosis. Also called: MYOPATHY, MYOSCLEROTIC; MYOSCLEROSIS, CONGENITAL, OF LOWENTHAL; Myosclerosis, congenital. Identifiers: Orphanet 289380, MedGen C1850671, MONDO:0009714, OMIM 255600.

Submission:

Kariminejad - Najmabadi Pathology & Genetics Center
Classification: Uncertain significance for Myosclerosis; Bethlem myopathy 1A; Ullrich congenital muscular dystrophy 1A. Last evaluated: 2023-06-06. Review status: criteria provided, single submitter. Criteria: ACMG Guidelines, 2015. Collection method: clinical testing. Allele origin: germline. Inheritance: Autosomal dominant inheritance. Affected: yes.
Comment: PM2- PP3-PM5